The following is an entry in ClinVar:

NM_024301.5(FKRP):c.1457C>T (p.Pro486Leu)

Gene: FKRP (fukutin related protein; plus strand). Cytogenetic location: 19q13.32.
Variant type: single nucleotide variant.
Coding change: c.1457C>T on transcript NM_024301.5 (MANE Select); coding-DNA position 1457, C replaced by T.
Protein change: p.Pro486Leu; replaces proline 486 with leucine.
Molecular consequence: missense variant.
Genome position (GRCh38, 1-based): chr19:46,756,907, C>T. VCF-style: chr19-46756907-C-T. GRCh37 (hg19) VCF-style: chr19-47260164-C-T.
Other names: c.1457C>T, p.Pro486Leu (NM_001039885.3); short protein forms P486L.
Identifiers: ClinVar variation 1513837 (VCV001513837.3), dbSNP rs2122637980, ClinGen allele CA406497407.

ClinVar aggregate classification (germline): Uncertain significance (1 of 4 stars; one submission).

Conditions:
Walker-Warburg congenital muscular dystrophy. Also called: Muscular dystrophy-dystroglycanopathy, type A; Walker-Warburg syndrome. Identifiers: Orphanet 899, MedGen C0265221, MONDO:0000171.

Allele frequency attached by ClinVar (database versions not stated): gnomAD exomes below 0.00001.

Submission:

Labcorp Genetics (formerly Invitae), Labcorp
Classification: Uncertain significance for Walker-Warburg congenital muscular dystrophy. Last evaluated: 2022-09-13. Review status: criteria provided, single submitter. Criteria: Invitae Variant Classification Sherloc (09022015). Collection method: clinical testing. Allele origin: germline.
Comment: This sequence change replaces proline, which is neutral and non-polar, with leucine, which is neutral and non-polar, at codon 486 of the FKRP protein (p.Pro486Leu). This variant is not present in population databases (gnomAD no frequency). This variant has not been reported in the literature in individuals affected with FKRP-related conditions. ClinVar contains an entry for this variant (Variation ID: 1513837). Advanced modeling of protein sequence and biophysical properties (such as structural, functional, and spatial information, amino acid conservation, physicochemical variation, residue mobility, and thermodynamic stability) has been performed at Invitae for this missense variant, however the output from this modeling did not meet the statistical confidence thresholds required to predict the impact of this variant on FKRP protein function. In summary, the available evidence is currently insufficient to determine the role of this variant in disease. Therefore, it has been classified as a Variant of Uncertain Significance.